The following is an entry in ClinVar:

ClinVar aggregate classification (germline): Likely benign. Review status: criteria provided, multiple submitters, no conflicts (2 of 4 stars). 2 submissions from 2 submitters: Likely benign (2). Last evaluated 2023-12-04.

Conditions:
Cardiovascular phenotype. Identifiers: MedGen CN230736.

Allele frequency attached by ClinVar (database versions not stated): gnomAD 0.00001; gnomAD exomes 0.00001 and 0.00002; ExAC 0.00002; 1000 Genomes Project 30x 0.00016; 1000 Genomes Project 0.00020.

Submissions (2):

Ambry Genetics
Classification: Likely benign for Cardiovascular phenotype. Last evaluated: 2023-12-04. Review status: criteria provided, single submitter. Criteria: Ambry Variant Classification Scheme 2023. Collection method: clinical testing. Allele origin: germline.

GeneDx
Classification: Likely benign. Last evaluated: 2018-04-12. Review status: criteria provided, single submitter. Criteria: GeneDx Variant Classification (06012015). Collection method: clinical testing. Allele origin: germline. Affected: yes.
Comment: This variant is considered likely benign or benign based on one or more of the following criteria: it is a conservative change, it occurs at a poorly conserved position in the protein, it is predicted to be benign by multiple in silico algorithms, and/or has population frequency not consistent with disease.

NM_000890.5(KCNJ5):c.1032T>C (p.Tyr344=)

Gene: KCNJ5 (potassium inwardly rectifying channel subfamily J member 5; plus strand). Cytogenetic location: 11q24.3.
Variant type: single nucleotide variant.
Coding change: c.1032T>C on transcript NM_000890.5 (MANE Select); coding-DNA position 1032, T replaced by C.
Protein change: p.Tyr344=; no amino-acid change (tyrosine 344 retained).
Molecular consequence: synonymous variant.
Genome position (GRCh38, 1-based): chr11:128,916,503, T>C. VCF-style: chr11-128916503-T-C. GRCh37 (hg19) VCF-style: chr11-128786398-T-C.
Other names: c.1032T>C, p.Tyr344= (NM_001354169.2).
Identifiers: ClinVar variation 681769 (VCV000681769.2), dbSNP rs185384497, ClinGen allele CA6357988.